The following is an entry in ClinVar:

ClinVar aggregate classification (germline): Conflicting classifications of pathogenicity. Review status: criteria provided, conflicting classifications (1 of 4 stars). 2 submissions from 2 submitters: Likely pathogenic (1); Uncertain significance (1). Last evaluated 2023-07-24.

Conditions:
Glycine encephalopathy. Also called: Non-ketotic hyperglycinemia; Nonketotic hyperglycinemia. Identifiers: Orphanet 407, MedGen C0751748, MONDO:0011612, HP:0008288.

Submissions (2):

GeneDx
Classification: Uncertain significance. Last evaluated: 2023-07-24. Review status: criteria provided, single submitter. Criteria: GeneDx Variant Classification Process June 2021. Collection method: clinical testing. Allele origin: germline. Affected: yes.
Comment: Identified with a second GLDC variant on the opposite allele (in trans) in a patient with suspected nonketotic hyperglycinemia in published literature, although clinical details were not provided (Coughlin et al., 2017); Not observed at significant frequency in large population cohorts (gnomAD); In silico analysis supports that this missense variant has a deleterious effect on protein structure/function; This variant is associated with the following publications: (PMID: 27362913)

Labcorp Genetics (formerly Invitae), Labcorp
Classification: Likely pathogenic for Glycine encephalopathy. Last evaluated: 2023-07-09. Review status: criteria provided, single submitter. Criteria: Invitae Variant Classification Sherloc (09022015). Collection method: clinical testing. Allele origin: germline.
Comment: This sequence change replaces leucine, which is neutral and non-polar, with proline, which is neutral and non-polar, at codon 79 of the GLDC protein (p.Leu79Pro). This variant is not present in population databases (gnomAD no frequency). This missense change has been observed in individual(s) with glycine encephalopathy (PMID: 27362913). ClinVar contains an entry for this variant (Variation ID: 1482131). Advanced modeling of protein sequence and biophysical properties (such as structural, functional, and spatial information, amino acid conservation, physicochemical variation, residue mobility, and thermodynamic stability) performed at Invitae indicates that this missense variant is expected to disrupt GLDC protein function. In summary, the currently available evidence indicates that the variant is pathogenic, but additional data are needed to prove that conclusively. Therefore, this variant has been classified as Likely Pathogenic.

Literature cited by the submitters: PubMed 27362913 (cited by Labcorp Genetics (formerly Invitae), Labcorp).

NM_000170.3(GLDC):c.236T>C (p.Leu79Pro)

Gene: GLDC (glycine decarboxylase; minus strand). Cytogenetic location: 9p24.1.
Variant type: single nucleotide variant.
Coding change: c.236T>C on transcript NM_000170.3 (MANE Select); coding-DNA position 236, T replaced by C.
Protein change: p.Leu79Pro; replaces leucine 79 with proline.
Molecular consequence: missense variant.
Genome position (GRCh38, 1-based): chr9:6,645,264, A>G on the plus strand (T>C on the coding strand, the complement: GLDC is on the minus strand). VCF-style: chr9-6645264-A-G. GRCh37 (hg19) VCF-style: chr9-6645264-A-G.
Other names: c.236T>C (NM_000170.2); short protein forms L79P.
Identifiers: ClinVar variation 1482131 (VCV001482131.7), dbSNP rs2130031802, ClinGen allele CA372886291.
Genomic context (GRCh38, chr9:6,645,264, plus strand): 5'-GGCGGAGGGGAGGCCGCGGAGGGCCGGGTGGAGGTCCTTACCGCCAGCCCCAAGGTCTGC[A>G]GCATCTCTCTCTGGTCTTTGTCCCCAGGGCCGATGTGCCTCCGAGCGAAGTCGTCGTGTC-3'
Protein context (NP_000161.2, residues 69-89): GPGDKDQREM[Leu79Pro]QTLGLASIDE